The following is an entry in ClinVar:

ClinVar aggregate classification (germline): Uncertain significance (1 of 4 stars; one submission).

Allele frequency attached by ClinVar (database versions not stated): TOPMed below 0.00001.
gnomAD v4.1: 4 of 1,614,214 alleles (0.00025%); highest among the groups gnomAD compares: Admixed American, 0.0067%; no homozygotes.

Submission:

Labcorp Genetics (formerly Invitae), Labcorp
Classification: Uncertain significance. Last evaluated: 2022-06-21. Review status: criteria provided, single submitter. Criteria: Invitae Variant Classification Sherloc (09022015). Collection method: clinical testing. Allele origin: germline.
Comment: In summary, the available evidence is currently insufficient to determine the role of this variant in disease. Therefore, it has been classified as a Variant of Uncertain Significance. Algorithms developed to predict the effect of missense changes on protein structure and function are either unavailable or do not agree on the potential impact of this missense change (SIFT: "Tolerated"; PolyPhen-2: "Not Available"; Align-GVGD: "Class C0"). This variant has not been reported in the literature in individuals affected with DMP1-related conditions. This variant is present in population databases (no rsID available, gnomAD 0.01%). This sequence change replaces serine, which is neutral and polar, with arginine, which is basic and polar, at codon 438 of the DMP1 protein (p.Ser438Arg).

NM_004407.4(DMP1):c.1314C>G (p.Ser438Arg)

Genes: DMP1 (dentin matrix acidic phosphoprotein 1; plus strand), DMP1-AS1 (DMP1 and DSPP antisense RNA 1; minus strand). Cytogenetic location: 4q22.1.
Variant type: single nucleotide variant.
Coding change: c.1314C>G on transcript NM_004407.4 (MANE Select); coding-DNA position 1314, C replaced by G.
Protein change: p.Ser438Arg; replaces serine 438 with arginine.
Molecular consequence: missense variant.
Genome position (GRCh38, 1-based): chr4:87,663,092, C>G. VCF-style: chr4-87663092-C-G. GRCh37 (hg19) VCF-style: chr4-88584244-C-G.
Other names: c.1266C>G, p.Ser422Arg (NM_001079911.3); short protein forms S422R, S438R.
Identifiers: ClinVar variation 1991399 (VCV001991399.2), dbSNP rs1359716911, ClinGen allele CA357701403.